The following is an entry in ClinVar:

NM_015335.5(MED13L):c.1904G>A (p.Ser635Asn)

Gene: MED13L (mediator complex subunit 13L; minus strand). Cytogenetic location: 12q24.21.
Variant type: single nucleotide variant.
Coding change: c.1904G>A on transcript NM_015335.5 (MANE Select); coding-DNA position 1904, G replaced by A.
Protein change: p.Ser635Asn; replaces serine 635 with asparagine.
Molecular consequence: missense variant.
Genome position (GRCh38, 1-based): chr12:116,008,509, C>T on the plus strand (G>A on the coding strand, the complement: MED13L is on the minus strand). VCF-style: chr12-116008509-C-T. GRCh37 (hg19) VCF-style: chr12-116446314-C-T.
Other names: short protein forms S635N.
Identifiers: ClinVar variation 431731 (VCV000431731.16), dbSNP rs144457722, ClinGen allele CA6811335.
Genomic context (GRCh38, chr12:116,008,509, plus strand): 5'-CTCTCACCCTGGAGCTCTGGAGGCCTGAACTCAGCATCATCACTGGGTGGGAGACGATAA[C>T]TATGCCACCACTTTTCTGATGACTCCGGGTTCGAGGGCCTAATCCCACAATATAAGGCTG-3'
Protein context (NP_056150.1, residues 625-645): NPESSEKWWH[Ser635Asn]YRLPPSDDAE

ClinVar aggregate classification (germline): Conflicting classifications of pathogenicity. Review status: criteria provided, conflicting classifications (1 of 4 stars). 4 submissions from 4 submitters: Uncertain significance (1); Benign (2). 1 of the submissions does not count toward it. Last evaluated 2025-12-16.

Conditions:
MED13L-related disorder. Also called: MED13L-related condition.
Cardiac anomalies - developmental delay - facial dysmorphism syndrome (MRFACD). Also called: MED13L Syndrome; Impaired intellectual development and distinctive facial features with or without cardiac defects. Identifiers: Orphanet 369891, MedGen C5192431, MONDO:0014773, OMIM 616789.
Dextro-looped transposition of the great arteries. Also called: Dextrotransposition of the great arteries. Identifiers: Orphanet 860, MedGen C3531771, MONDO:0019443, OMIM 608808, HP:0031348.

Allele frequency attached by ClinVar (database versions not stated): gnomAD exomes 0.00012 and 0.00033; ExAC 0.00036; 1000 Genomes Project 0.00100; 1000 Genomes Project 30x 0.00109; gnomAD 0.00131 and 0.00141; ESP Exome Variant Server 0.00146; TOPMed 0.00159.
gnomAD v4.1: 385 of 1,613,902 alleles (0.024%); highest among the groups gnomAD compares: African/African-American, 0.45%; 1 homozygote.

Submissions (4):

Labcorp Genetics (formerly Invitae), Labcorp
Classification: Benign for Dextro-looped transposition of the great arteries. Last evaluated: 2025-12-16. Review status: criteria provided, single submitter. Criteria: Invitae Variant Classification Sherloc (09022015). Collection method: clinical testing. Allele origin: germline.

GeneDx
Classification: Benign. Last evaluated: 2019-11-25. Review status: criteria provided, single submitter. Criteria: GeneDx Variant Classification Process June 2021. Collection method: clinical testing. Allele origin: germline. Affected: yes.
Comment: This variant is associated with the following publications: (PMID: 30542205)

TIDEX, University of British Columbia
Classification: Uncertain significance for Cardiac anomalies - developmental delay - facial dysmorphism syndrome. Review status: criteria provided, single submitter. Criteria: ACMG Guidelines, 2015. Collection method: research. Allele origin: maternal. Inheritance: Autosomal recessive inheritance. Affected: yes.

PreventionGenetics, part of Exact Sciences
Classification: Benign for MED13L-related condition. Last evaluated: 2019-09-17. Review status: no assertion criteria provided. Collection method: clinical testing. Allele origin: germline. Not counted in ClinVar's aggregate classification.
Comment: This variant is classified as benign based on ACMG/AMP sequence variant interpretation guidelines (Richards et al. 2015 PMID: 25741868, with internal and published modifications).